The following is an entry in ClinVar:

ClinVar aggregate classification (germline): Conflicting classifications of pathogenicity. Review status: criteria provided, conflicting classifications (1 of 4 stars). 7 submissions from 7 submitters: Uncertain significance (1); Benign (1); Likely benign (4). 1 of the submissions does not count toward it. Last evaluated 2026-01-02.

Conditions:
Connective tissue disorder. Also called: Connective tissue disease. Identifiers: MedGen C0009782, MONDO:0003900.
Atelosteogenesis type III. Also called: Atelosteogenesis Type 3 (FLNB-AO3). Identifiers: Orphanet 56305, MedGen C3668942, MONDO:0007168, OMIM 108721.
Atelosteogenesis type I. Also called: GIANT CELL CHONDRODYSPLASIA; Atelosteogenesis Type 1 (FLNB-AO1); SPONDYLOHUMEROFEMORAL HYPOPLASIA. Identifiers: Orphanet 1190, MedGen C0265283, MONDO:0007167, OMIM 108720.
Boomerang dysplasia. Identifiers: Orphanet 1263, MedGen C0432201, MONDO:0007208, OMIM 112310.
Spondylocarpotarsal synostosis syndrome (SCT). Also called: Synspondylism congenital; Scoliosis, congenital with unilateral unsegmented bar; Spondylocarpotarsal Synostosis Syndrome (FLNB-SCT); SPONDYLOCARPOTARSAL SYNDROME; VERTEBRAL FUSION WITH CARPAL COALITION. Identifiers: Orphanet 3275, MedGen C1848934, MONDO:0010094, OMIM 272460.
Larsen syndrome (LRS). Also called: Bilateral dislocation of the knees, pes cavus, cylindrically shaped fingers and characteristic facies; Larsen syndrome (FLNB-LS). Identifiers: Orphanet 503, MedGen C0175778, MONDO:0007875, OMIM 150250. Disease mechanism: loss of function.
FLNB-Related Spectrum Disorders.
Inborn genetic diseases. Identifiers: MedGen C0950123, MeSH D030342.
FLNB-related disorder. Also called: FLNB-related condition; FLNB-related disorders. Identifiers: MedGen CN381095.

Allele frequency attached by ClinVar (database versions not stated): gnomAD 0.00001 and 0.00022; TOPMed 0.00004; gnomAD exomes 0.00042 and 0.00088; ExAC 0.00097; 1000 Genomes Project 0.00100; 1000 Genomes Project 30x 0.00109.
gnomAD v4.1: 641 of 1,614,094 alleles (0.04%); highest among the groups gnomAD compares: South Asian, 0.66%; 8 homozygotes.

Submissions (7):

Labcorp Genetics (formerly Invitae), Labcorp
Classification: Benign. Last evaluated: 2026-01-02. Review status: criteria provided, single submitter. Criteria: Invitae Variant Classification Sherloc (09022015). Collection method: clinical testing. Allele origin: germline.

GeneDx
Classification: Uncertain significance. Last evaluated: 2025-04-07. Review status: criteria provided, single submitter. Criteria: GeneDx Variant Classification Process June 2021. Collection method: clinical testing. Allele origin: germline. Affected: yes.
Comment: In silico analysis supports that this missense variant has a deleterious effect on protein structure/function; Has not been previously published as pathogenic or benign to our knowledge

Department of Pathology and Laboratory Medicine, Sinai Health System
Classification: Likely benign for Atelosteogenesis type I; Atelosteogenesis type III; Boomerang dysplasia; Larsen syndrome; Spondylocarpotarsal synostosis syndrome. Last evaluated: 2023-01-26. Review status: criteria provided, single submitter. Criteria: ACMG Guidelines, 2015. Collection method: research. Allele origin: germline.

Ambry Genetics
Classification: Likely benign for Inborn genetic diseases. Last evaluated: 2021-08-12. Review status: criteria provided, single submitter. Criteria: Ambry Variant Classification Scheme 2023. Collection method: clinical testing. Allele origin: germline.

Genome Diagnostics Laboratory, The Hospital for Sick Children
Classification: Likely benign for Connective tissue disorder. Last evaluated: 2021-05-21. Review status: criteria provided, single submitter. Criteria: ACMG Guidelines, 2015. Collection method: clinical testing. Allele origin: germline.

Illumina Laboratory Services, Illumina
Classification: Likely benign for FLNB-Related Spectrum Disorders. Last evaluated: 2018-01-13. Review status: criteria provided, single submitter. Criteria: ICSL Variant Classification Criteria 13 December 2019. Collection method: clinical testing. Allele origin: germline.
Comment: This variant was observed in the ICSL laboratory as part of a predisposition screen in an ostensibly healthy population. It had not been previously curated by ICSL or reported in the Human Gene Mutation Database (HGMD: prior to June 1st, 2018), and was therefore a candidate for classification through an automated scoring system. Utilizing variant allele frequency, disease prevalence and penetrance estimates, and inheritance mode, an automated score was calculated to assess if this variant is too frequent to cause the disease. Based on the score and internal cut-off values, a variant classified as likely benign is not then subjected to further curation. The score for this variant resulted in a classification of likely benign for this disease.

PreventionGenetics, part of Exact Sciences
Classification: Likely benign for FLNB-related condition. Last evaluated: 2019-05-13. Review status: no assertion criteria provided. Collection method: clinical testing. Allele origin: germline. Not counted in ClinVar's aggregate classification.
Comment: This variant is classified as likely benign based on ACMG/AMP sequence variant interpretation guidelines (Richards et al. 2015 PMID: 25741868, with internal and published modifications).

NM_001457.4(FLNB):c.6755A>T (p.Tyr2252Phe)

Gene: FLNB (filamin B; plus strand). Cytogenetic location: 3p14.3.
Variant type: single nucleotide variant.
Coding change: c.6755A>T on transcript NM_001457.4 (MANE Select); coding-DNA position 6755, A replaced by T.
Protein change: p.Tyr2252Phe; replaces tyrosine 2252 with phenylalanine.
Molecular consequence: missense variant.
Genome position (GRCh38, 1-based): chr3:58,154,911, A>T. VCF-style: chr3-58154911-A-T. GRCh37 (hg19) VCF-style: chr3-58140638-A-T.
Other names: c.6848A>T, p.Tyr2283Phe (NM_001164317.2); c.6722A>T, p.Tyr2241Phe (NM_001164318.2); c.6683A>T, p.Tyr2228Phe (NM_001164319.2); short protein forms Y2252F, Y2228F, Y2283F, Y2241F.
Identifiers: ClinVar variation 346359 (VCV000346359.20), dbSNP rs200567066, ClinGen allele CA2469480.